The following is an entry in ClinVar:

ClinVar aggregate classification (germline): Benign/Likely benign. Review status: criteria provided, multiple submitters, no conflicts (2 of 4 stars). 6 submissions from 6 submitters: Benign (1); Likely benign (5). Last evaluated 2026-08-01.

Allele frequency attached by ClinVar (database versions not stated): 1000 Genomes Project 30x 0.00156; 1000 Genomes Project 0.00180; gnomAD exomes 0.00339; ExAC 0.00344; TOPMed 0.00355; gnomAD 0.00384 and 0.00393; ESP Exome Variant Server 0.00443.
gnomAD v4.1: 8,663 of 1,613,618 alleles (0.54%); highest among the groups gnomAD compares: Non-Finnish European, 0.67%; 29 homozygotes.

Submissions (6):

CeGaT Center for Human Genetics Tuebingen
Classification: Likely benign. Last evaluated: 2026-08-01. Review status: criteria provided, single submitter. Criteria: CeGaT Center For Human Genetics Tuebingen Variant Classification Criteria Version 2. Collection method: clinical testing. Allele origin: germline. Affected: yes. Observed: 20 variant alleles.
Comment: MYO5A: BP4, BP7, BS2

Labcorp Genetics (formerly Invitae), Labcorp
Classification: Benign. Last evaluated: 2026-01-15. Review status: criteria provided, single submitter. Criteria: Invitae Variant Classification Sherloc (09022015). Collection method: clinical testing. Allele origin: germline.

Blueprint Genetics
Classification: Likely benign. Last evaluated: 2024-11-25. Review status: criteria provided, single submitter. Criteria: ACMG Guidelines, 2015. Collection method: clinical testing. Allele origin: germline.

Genetic Services Laboratory, University of Chicago
Classification: Likely benign. Last evaluated: 2015-08-25. Review status: criteria provided, single submitter. Criteria: ACMG Guidelines, 2015. Collection method: clinical testing. Allele origin: germline. Affected: no.

Breakthrough Genomics
Classification: Likely benign. Review status: criteria provided, single submitter. Criteria: ACMG Guidelines, 2015. Collection method: not provided. Allele origin: germline. Inheritance: Autosomal recessive inheritance. Affected: yes.

PreventionGenetics, part of Exact Sciences
Classification: Likely benign. Review status: criteria provided, single submitter. Criteria: ACMG Guidelines, 2015. Collection method: clinical testing. Allele origin: germline.

NM_001382347.1(MYO5A):c.2814G>A (p.Glu938=)

Gene: MYO5A (myosin VA; minus strand). Cytogenetic location: 15q21.2.
Variant type: single nucleotide variant.
Coding change: c.2814G>A on transcript NM_001382347.1 (MANE Select); coding-DNA position 2814, G replaced by A.
Protein change: p.Glu938=; no amino-acid change (glutamic acid 938 retained).
Molecular consequence: synonymous variant.
Genome position (GRCh38, 1-based): chr15:52,372,127, C>T on the plus strand (G>A on the coding strand, the complement: MYO5A is on the minus strand). VCF-style: chr15-52372127-C-T. GRCh37 (hg19) VCF-style: chr15-52664324-C-T.
Other names: c.2814G>A, p.Glu938= (NM_000259.3, NM_001142495.2); c.2886G>A, p.Glu962= (NM_001382348.1, NM_001382349.1).
Identifiers: ClinVar variation 255643 (VCV000255643.54), dbSNP rs190656197, ClinGen allele CA7568602.
Genomic context (GRCh38, chr15:52,372,127, plus strand): 5'-ATCCTGGTGGATTTCTTCAGGCATACTCCACTCTCAGGGCCCCTTTGTGAAACACACCTG[C>T]TCATCAACTTTGCGCTGCAGCTGCATGATCTTGTTCTCCATGCCGATGTGCAGCTTCTTA-3'
Protein context (NP_001369276.1, residues 928-948): KIMQLQRKVD[Glu938=]QNKDYKCLVE